The following is an entry in ClinVar:

NM_000130.5(F5):c.953-1G>A

Gene: F5 (coagulation factor V; minus strand). Cytogenetic location: 1q24.2.
Variant type: single nucleotide variant.
Coding change: c.953-1G>A on transcript NM_000130.5 (MANE Select); the canonical splice acceptor site of the intron before coding-DNA position 953, G replaced by A.
Molecular consequence: splice acceptor variant.
Genome position (GRCh38, 1-based): chr1:169,555,348, C>T on the plus strand (G>A on the coding strand, the complement: F5 is on the minus strand). VCF-style: chr1-169555348-C-T. GRCh37 (hg19) VCF-style: chr1-169524586-C-T.
Identifiers: ClinVar variation 2856026 (VCV002856026.3), dbSNP rs2526430620, ClinGen allele CA343132676.

ClinVar aggregate classification (germline): Likely pathogenic (1 of 4 stars; one submission).

Conditions:
Congenital factor V deficiency. Also called: OWREN PARAHEMOPHILIA; PARAHEMOPHILIA; LABILE FACTOR DEFICIENCY; Hereditary factor V deficiency disease. Identifiers: Orphanet 326, MedGen C0015499, MONDO:0009210, OMIM 227400.

Allele frequency attached by ClinVar (database versions not stated): gnomAD exomes below 0.00001.
gnomAD v4.1: 4 of 1,613,906 alleles (0.00025%); highest among the groups gnomAD compares: Non-Finnish European, 0.00034%; no homozygotes.

Submission:

Labcorp Genetics (formerly Invitae), Labcorp
Classification: Likely pathogenic for Congenital factor V deficiency. Last evaluated: 2023-04-14. Review status: criteria provided, single submitter. Criteria: Invitae Variant Classification Sherloc (09022015). Collection method: clinical testing. Allele origin: germline.
Comment: In summary, the currently available evidence indicates that the variant is pathogenic, but additional data are needed to prove that conclusively. Therefore, this variant has been classified as Likely Pathogenic. Algorithms developed to predict the effect of sequence changes on RNA splicing suggest that this variant may disrupt the consensus splice site. This variant has not been reported in the literature in individuals affected with F5-related conditions. This variant is not present in population databases (gnomAD no frequency). This sequence change affects an acceptor splice site in intron 6 of the F5 gene. It is expected to disrupt RNA splicing. Variants that disrupt the donor or acceptor splice site typically lead to a loss of protein function (PMID: 16199547), and loss-of-function variants in F5 are known to be pathogenic (PMID: 30924984).

Literature cited by the submitters: PubMed 16199547; PubMed 30924984.